The following is an entry in ClinVar:

ClinVar aggregate classification (germline): Conflicting classifications of pathogenicity. Review status: criteria provided, conflicting classifications (1 of 4 stars). 5 submissions from 5 submitters: Uncertain significance (4); Likely benign (1). Last evaluated 2025-12-03.

Conditions:
Cardiovascular phenotype. Identifiers: MedGen CN230736.

Allele frequency attached by ClinVar (database versions not stated): gnomAD exomes 0.00001 and 0.00003; ExAC 0.00004; TOPMed 0.00005; gnomAD 0.00011.

Submissions (5):

Labcorp Genetics (formerly Invitae), Labcorp
Classification: Uncertain significance. Last evaluated: 2025-12-03. Review status: criteria provided, single submitter. Criteria: Invitae Variant Classification Sherloc (09022015). Collection method: clinical testing. Allele origin: germline.
Comment: This sequence change replaces glutamic acid, which is acidic and polar, with lysine, which is basic and polar, at codon 1736 of the ALPK3 protein (p.Glu1736Lys). This variant is present in population databases (rs765401924, gnomAD 0.03%). This variant has not been reported in the literature in individuals affected with ALPK3-related conditions. ClinVar contains an entry for this variant (Variation ID: 1309100). Invitae Evidence Modeling of protein sequence and biophysical properties (such as structural, functional, and spatial information, amino acid conservation, physicochemical variation, residue mobility, and thermodynamic stability) indicates that this missense variant is expected to disrupt ALPK3 protein function with a positive predictive value of 80%. In summary, the available evidence is currently insufficient to determine the role of this variant in disease. Therefore, it has been classified as a Variant of Uncertain Significance.

Mayo Clinic Laboratories, Mayo Clinic
Classification: Uncertain significance. Last evaluated: 2025-02-16. Review status: criteria provided, single submitter. Criteria: ACMG Guidelines, 2015. Collection method: clinical testing. Allele origin: germline. Observed: 1 variant allele.
Comment: BP4

Women's Health and Genetics/Laboratory Corporation of America, LabCorp
Classification: Uncertain significance. Last evaluated: 2025-02-13. Review status: criteria provided, single submitter. Criteria: LabCorp Variant Classification Summary - May 2015. Collection method: clinical testing. Allele origin: germline.

Ambry Genetics
Classification: Likely benign for Cardiovascular phenotype. Last evaluated: 2025-01-14. Review status: criteria provided, single submitter. Criteria: Ambry Variant Classification Scheme 2023. Collection method: clinical testing. Allele origin: germline.

GeneDx
Classification: Uncertain significance. Last evaluated: 2023-11-27. Review status: criteria provided, single submitter. Criteria: GeneDx Variant Classification Process June 2021. Collection method: clinical testing. Allele origin: germline. Affected: yes.
Comment: In silico analysis supports that this missense variant has a deleterious effect on protein structure/function; Has not been previously published as pathogenic or benign to our knowledge

NM_020778.5(ALPK3):c.4600G>A (p.Glu1534Lys)

Gene: ALPK3 (alpha kinase 3; plus strand). Cytogenetic location: 15q25.3.
Variant type: single nucleotide variant.
Coding change: c.4600G>A on transcript NM_020778.5 (MANE Select); coding-DNA position 4600, G replaced by A.
Protein change: p.Glu1534Lys; replaces glutamic acid 1534 with lysine.
Molecular consequence: missense variant.
Genome position (GRCh38, 1-based): chr15:84,864,542, G>A. VCF-style: chr15-84864542-G-A. GRCh37 (hg19) VCF-style: chr15-85407773-G-A.
Other names: p.Glu1736Lys; short protein forms E1534K.
Identifiers: ClinVar variation 1309100 (VCV001309100.13), dbSNP rs765401924, ClinGen allele CA7710036.